The following is an entry in ClinVar:

NM_020949.3(SLC7A14):c.1195G>A (p.Ala399Thr)

Genes: SLC7A14 (solute carrier family 7 member 14; minus strand), SLC7A14-AS1 (SLC7A14 antisense RNA 1; plus strand). Cytogenetic location: 3q26.2.
Variant type: single nucleotide variant.
Coding change: c.1195G>A on transcript NM_020949.3 (MANE Select); coding-DNA position 1195, G replaced by A.
Protein change: p.Ala399Thr; replaces alanine 399 with threonine.
Molecular consequence: missense variant.
Genome position (GRCh38, 1-based): chr3:170,481,087, C>T on the plus strand (G>A on the coding strand, the complement: SLC7A14 is on the minus strand). VCF-style: chr3-170481087-C-T. GRCh37 (hg19) VCF-style: chr3-170198876-C-T.
Other names: short protein forms A399T.
Identifiers: ClinVar variation 1512760 (VCV001512760.9), dbSNP rs768048013, ClinGen allele CA2701671.
Genomic context (GRCh38, chr3:170,481,087, plus strand): 5'-AGGCCAGGAGCGTGCCGATAGACATCATCTCTATCAGGTCTCTCAAGCTGACCAACAGTG[C>T]GAGGAGCGCTGCCAGGAACCCCGACACGATGCAGGCCACCACTGGTGTCTCTGTGTAGGA-3'
Protein context (NP_066000.2, residues 389-409): IVSGFLAALL[Ala399Thr]LLVSLRDLIE

ClinVar aggregate classification (germline): Uncertain significance. Review status: criteria provided, multiple submitters, no conflicts (2 of 4 stars). 2 submissions from 2 submitters: Uncertain significance (2). Last evaluated 2023-12-28.

Allele frequency attached by ClinVar (database versions not stated): gnomAD 0.00002.

Submissions (2):

Labcorp Genetics (formerly Invitae), Labcorp
Classification: Uncertain significance. Last evaluated: 2023-12-28. Review status: criteria provided, single submitter. Criteria: Invitae Variant Classification Sherloc (09022015). Collection method: clinical testing. Allele origin: germline.
Comment: This sequence change replaces alanine, which is neutral and non-polar, with threonine, which is neutral and polar, at codon 399 of the SLC7A14 protein (p.Ala399Thr). This variant is present in population databases (rs768048013, gnomAD 0.002%). This variant has not been reported in the literature in individuals affected with SLC7A14-related conditions. ClinVar contains an entry for this variant (Variation ID: 1512760). An algorithm developed to predict the effect of missense changes on protein structure and function (PolyPhen-2) suggests that this variant is likely to be disruptive. In summary, the available evidence is currently insufficient to determine the role of this variant in disease. Therefore, it has been classified as a Variant of Uncertain Significance.

Blueprint Genetics
Classification: Uncertain significance. Last evaluated: 2022-06-09. Review status: criteria provided, single submitter. Criteria: ACMG Guidelines, 2015. Collection method: clinical testing. Allele origin: germline.